The following is an entry in ClinVar:

NM_001382391.1(CSPP1):c.-138C>T

Gene: CSPP1 (centrosome and spindle pole associated protein 1; plus strand). Cytogenetic location: 8q13.1.
Variant type: single nucleotide variant.
Coding change: c.-138C>T on transcript NM_001382391.1 (MANE Select); 138 bases upstream of the start codon, C replaced by T.
Molecular consequence: 5 prime UTR variant. On other transcripts: missense variant (3).
Genome position (GRCh38, 1-based): chr8:67,064,411, C>T. VCF-style: chr8-67064411-C-T. GRCh37 (hg19) VCF-style: chr8-67976646-C-T.
Other names: c.-138C>T (NM_001363131.2, NM_001363132.2, NM_001363133.2); c.13C>T, p.Leu5Phe (NM_001364869.1, NM_001364870.1, NM_024790.7); short protein forms L5F.
Identifiers: ClinVar variation 2140307 (VCV002140307.1), dbSNP rs373705126, ClinGen allele CA4770041.

ClinVar aggregate classification (germline): Uncertain significance (1 of 4 stars; one submission).

Conditions:
Joubert syndrome 21 (JBTS21). Identifiers: MedGen C3810212, MONDO:0014288, OMIM 615636.

Allele frequency attached by ClinVar (database versions not stated): ExAC 0.00001; ESP Exome Variant Server 0.00008.
gnomAD v4.1: 8 of 1,613,640 alleles (0.0005%); highest among the groups gnomAD compares: African/African-American, 0.011%; no homozygotes.

Submission:

Labcorp Genetics (formerly Invitae), Labcorp
Classification: Uncertain significance for Joubert syndrome 21. Last evaluated: 2022-04-22. Review status: criteria provided, single submitter. Criteria: Invitae Variant Classification Sherloc (09022015). Collection method: clinical testing. Allele origin: germline.
Comment: This sequence change replaces leucine, which is neutral and non-polar, with phenylalanine, which is neutral and non-polar, at codon 5 of the CSPP1 protein (p.Leu5Phe). This variant is present in population databases (rs373705126, gnomAD 0.02%). This variant has not been reported in the literature in individuals affected with CSPP1-related conditions. Algorithms developed to predict the effect of missense changes on protein structure and function (SIFT, PolyPhen-2, Align-GVGD) all suggest that this variant is likely to be tolerated. In summary, the available evidence is currently insufficient to determine the role of this variant in disease. Therefore, it has been classified as a Variant of Uncertain Significance.